The following is an entry in ClinVar:

NM_001843.4(CNTN1):c.2787T>G (p.Val929=)

Gene: CNTN1 (contactin 1; plus strand). Cytogenetic location: 12q12.
Variant type: single nucleotide variant.
Coding change: c.2787T>G on transcript NM_001843.4 (MANE Select); coding-DNA position 2787, T replaced by G.
Protein change: p.Val929=; no amino-acid change (valine 929 retained).
Molecular consequence: synonymous variant.
Genome position (GRCh38, 1-based): chr12:41,027,933, T>G. VCF-style: chr12-41027933-T-G. GRCh37 (hg19) VCF-style: chr12-41421735-T-G.
Other names: c.2754T>G, p.Val918= (NM_175038.2).
Identifiers: ClinVar variation 3053881 (VCV003053881.2), dbSNP rs2499751288, ClinGen allele CA479351346.

ClinVar aggregate classification (germline): Likely benign (0 of 4 stars; one submission).

Conditions:
CNTN1-related disorder. Also called: CNTN1-related condition.

Submission:

PreventionGenetics, part of Exact Sciences
Classification: Likely benign for CNTN1-related condition. Last evaluated: 2022-05-16. Review status: no assertion criteria provided. Collection method: clinical testing. Allele origin: germline.
Comment: This variant is classified as likely benign based on ACMG/AMP sequence variant interpretation guidelines (Richards et al. 2015 PMID: 25741868, with internal and published modifications).